The following is an entry in ClinVar:

NC_000001.10:g.(?_220298559)_(220325126_?)dup

Genes: IARS2 (isoleucyl-tRNA synthetase 2, mitochondrial; plus strand), RAB3GAP2 (RAB3 GTPase activating non-catalytic protein subunit 2; minus strand). Cytogenetic location: 1q41.
Variant type: Duplication.
Identifiers: ClinVar variation 2426427 (VCV002426427.3).

ClinVar aggregate classification (germline): Uncertain significance (1 of 4 stars; one submission).

Submission:

Labcorp Genetics (formerly Invitae), Labcorp
Classification: Uncertain significance. Last evaluated: 2022-04-02. Review status: criteria provided, single submitter. Criteria: Invitae Variant Classification Sherloc (09022015). Collection method: clinical testing. Allele origin: germline.
Comment: In summary, the available evidence is currently insufficient to determine the role of this variant in disease. Therefore, it has been classified as a Variant of Uncertain Significance. This variant has not been reported in the literature in individuals affected with IARS2-related conditions. This variant results in a copy number gain of the genomic region encompassing exon(s) 13-23 of the IARS2 gene. This region includes the termination codon of the gene. This copy number gain extends beyond the assayed region for this gene and therefore may encompass additional genes. As the precise location of this event is unknown, it may be in tandem or it may be located elsewhere in the genome.